The following is an entry in ClinVar:

ClinVar aggregate classification (germline): Uncertain significance. Review status: criteria provided, multiple submitters, no conflicts (2 of 4 stars). 2 submissions from 2 submitters: Uncertain significance (2). Last evaluated 2024-02-28.

Conditions:
Hereditary cancer-predisposing syndrome. Also called: Hereditary Cancer Syndrome; Hereditary neoplastic syndrome; Tumor predisposition; Neoplastic Syndromes, Hereditary. Identifiers: Orphanet 140162, MedGen C0027672, MeSH D009386, MONDO:0015356.

Submissions (2):

Ambry Genetics
Classification: Uncertain significance for Hereditary cancer-predisposing syndrome. Last evaluated: 2024-02-28. Review status: criteria provided, single submitter. Criteria: Ambry Variant Classification Scheme 2023. Collection method: clinical testing. Allele origin: germline.
Comment: The p.L828V variant (also known as c.2482C>G), located in coding exon 18 of the MSH3 gene, results from a C to G substitution at nucleotide position 2482. The leucine at codon 828 is replaced by valine, an amino acid with highly similar properties. This amino acid position is highly conserved in available vertebrate species. In addition, this alteration is predicted to be deleterious by in silico analysis. Since supporting evidence is limited at this time, the clinical significance of this alteration remains unclear.

Labcorp Genetics (formerly Invitae), Labcorp
Classification: Uncertain significance. Last evaluated: 2022-12-15. Review status: criteria provided, single submitter. Criteria: Invitae Variant Classification Sherloc (09022015). Collection method: clinical testing. Allele origin: germline.
Comment: This sequence change replaces leucine, which is neutral and non-polar, with valine, which is neutral and non-polar, at codon 828 of the MSH3 protein (p.Leu828Val). This variant is not present in population databases (gnomAD no frequency). This variant has not been reported in the literature in individuals affected with MSH3-related conditions. ClinVar contains an entry for this variant (Variation ID: 1791940). Algorithms developed to predict the effect of missense changes on protein structure and function are either unavailable or do not agree on the potential impact of this missense change (SIFT: "Deleterious"; PolyPhen-2: "Probably Damaging"; Align-GVGD: "Class C0"). In summary, the available evidence is currently insufficient to determine the role of this variant in disease. Therefore, it has been classified as a Variant of Uncertain Significance.

NM_002439.5(MSH3):c.2482C>G (p.Leu828Val)

Gene: MSH3 (mutS homolog 3; plus strand). Cytogenetic location: 5q14.1.
Variant type: single nucleotide variant.
Coding change: c.2482C>G on transcript NM_002439.5 (MANE Select); coding-DNA position 2482, C replaced by G.
Protein change: p.Leu828Val; replaces leucine 828 with valine.
Molecular consequence: missense variant.
Genome position (GRCh38, 1-based): chr5:80,787,611, C>G. VCF-style: chr5-80787611-C-G. GRCh37 (hg19) VCF-style: chr5-80083430-C-G.
Other names: short protein forms L828V.
Identifiers: ClinVar variation 1791940 (VCV001791940.5), dbSNP rs1744532280, ClinGen allele CA360283190.